The following is an entry in ClinVar:

NM_000541.5(SAG):c.881G>C (p.Arg294Thr)

Gene: SAG (S-antigen visual arrestin; plus strand). Cytogenetic location: 2q37.1.
Variant type: single nucleotide variant.
Coding change: c.881G>C on transcript NM_000541.5 (MANE Select); coding-DNA position 881, G replaced by C.
Protein change: p.Arg294Thr; replaces arginine 294 with threonine.
Molecular consequence: missense variant.
Genome position (GRCh38, 1-based): chr2:233,335,036, G>C. VCF-style: chr2-233335036-G-C. GRCh37 (hg19) VCF-style: chr2-234243682-G-C.
Other names: short protein forms R294T.
Identifiers: ClinVar variation 1358154 (VCV001358154.8), dbSNP rs2125344088, ClinGen allele CA351048446.

ClinVar aggregate classification (germline): Uncertain significance (1 of 4 stars; one submission).

Submission:

Labcorp Genetics (formerly Invitae), Labcorp
Classification: Uncertain significance. Last evaluated: 2020-12-21. Review status: criteria provided, single submitter. Criteria: Invitae Variant Classification Sherloc (09022015). Collection method: clinical testing. Allele origin: germline.
Comment: This sequence change replaces arginine with threonine at codon 294 of the SAG protein (p.Arg294Thr). The arginine residue is moderately conserved and there is a moderate physicochemical difference between arginine and threonine. This variant is not present in population databases (ExAC no frequency). This variant has not been reported in the literature in individuals with SAG-related conditions. Algorithms developed to predict the effect of missense changes on protein structure and function (SIFT, PolyPhen-2, Align-GVGD) all suggest that this variant is likely to be tolerated, but these predictions have not been confirmed by published functional studies and their clinical significance is uncertain. In summary, the available evidence is currently insufficient to determine the role of this variant in disease. Therefore, it has been classified as a Variant of Uncertain Significance.